The following is an entry in ClinVar:

ClinVar aggregate classification (germline): Uncertain significance. Review status: criteria provided, multiple submitters, no conflicts (2 of 4 stars). 2 submissions from 2 submitters: Uncertain significance (2). Last evaluated 2023-11-02.

Conditions:
Inborn genetic diseases. Identifiers: MedGen C0950123, MeSH D030342.

Allele frequency attached by ClinVar (database versions not stated): ExAC 0.00004; gnomAD exomes 0.00004; TOPMed 0.00005; ESP Exome Variant Server 0.00008; gnomAD 0.00011; 1000 Genomes Project 30x 0.00031; 1000 Genomes Project 0.00040.
gnomAD v4.1: 55 of 1,614,086 alleles (0.0034%); highest among the groups gnomAD compares: Admixed American, 0.018%; no homozygotes.

Submissions (2):

Ambry Genetics
Classification: Uncertain significance for Inborn genetic diseases. Last evaluated: 2023-11-02. Review status: criteria provided, single submitter. Criteria: Ambry Variant Classification Scheme 2023. Collection method: clinical testing. Allele origin: germline.

Labcorp Genetics (formerly Invitae), Labcorp
Classification: Uncertain significance. Last evaluated: 2021-09-17. Review status: criteria provided, single submitter. Criteria: Invitae Variant Classification Sherloc (09022015). Collection method: clinical testing. Allele origin: germline.
Comment: This sequence change replaces arginine with cysteine at codon 289 of the SLC4A11 protein (p.Arg289Cys). The arginine residue is moderately conserved and there is a large physicochemical difference between arginine and cysteine. This variant is present in population databases (rs185463872, ExAC 0.03%). This variant has not been reported in the literature in individuals affected with SLC4A11-related conditions. Algorithms developed to predict the effect of missense changes on protein structure and function are either unavailable or do not agree on the potential impact of this missense change (SIFT: "Deleterious"; PolyPhen-2: "Probably Damaging"; Align-GVGD: "Class C15"). In summary, the available evidence is currently insufficient to determine the role of this variant in disease. Therefore, it has been classified as a Variant of Uncertain Significance.

NM_001174089.2(SLC4A11):c.817C>T (p.Arg273Cys)

Gene: SLC4A11 (solute carrier family 4 member 11; minus strand). Cytogenetic location: 20p13.
Variant type: single nucleotide variant.
Coding change: c.817C>T on transcript NM_001174089.2 (MANE Select); coding-DNA position 817, C replaced by T.
Protein change: p.Arg273Cys; replaces arginine 273 with cysteine.
Molecular consequence: missense variant. On other transcripts: non-coding transcript variant (1).
Genome position (GRCh38, 1-based): chr20:3,231,461, G>A on the plus strand (C>T on the coding strand, the complement: SLC4A11 is on the minus strand). VCF-style: chr20-3231461-G-A. GRCh37 (hg19) VCF-style: chr20-3212107-G-A.
Other names: c.946C>T, p.Arg316Cys (NM_001174090.2); c.817C>T, p.Arg273Cys (NM_001363745.2); c.865C>T, p.Arg289Cys (NM_032034.4); c.865C>T (NM_032034.3); short protein forms R289C, R273C, R316C.
Identifiers: ClinVar variation 1444847 (VCV001444847.6), dbSNP rs185463872, ClinGen allele CA9742111.